The following is an entry in ClinVar:

NM_022455.5(NSD1):c.3383_3384del (p.Ser1128fs)

Gene: NSD1 (nuclear receptor binding SET domain protein 1; plus strand). Cytogenetic location: 5q35.3.
Variant type: Microsatellite.
Coding change: c.3383_3384del on transcript NM_022455.5 (MANE Select); coding-DNA positions 3383 to 3384, 2 bases deleted (CT; older notation c.3383_3384delCT).
Protein change: p.Ser1128fs; shifts the reading frame from serine 1128.
Molecular consequence: frameshift variant.
Genome position (GRCh38, 1-based): chr5:177,211,782-177,211,783, CT deleted; deleting any 2 consecutive bases within chr5:177,211,778-177,211,783 gives the same sequence; the c. name uses the placement nearest the transcript's 3' end. VCF-style (leftmost placement, unchanged base first): chr5-177211777-ACT-A. GRCh37 (hg19) VCF-style: chr5-176638778-ACT-A.
Other names: c.3383_3384del (NM_022455.4); c.2506_2507CT[2], p.Ser837Phefs (NM_001365684.2, NM_001409306.1, NM_001409307.1 and 3 more transcripts); c.3379_3380CT[2], p.Ser1128Phefs (NM_001409301.1, NM_001409302.1, NM_001409303.1); c.2959_2960CT[2], p.Ser988Phefs (NM_001409304.1); c.2626_2627CT[2], p.Ser877Phefs (NM_001409305.1); short protein forms S1128fs, S859fs.
Identifiers: ClinVar variation 159307 (VCV000159307.14), dbSNP rs587784101, ClinGen allele CA294851.
Genomic context (GRCh38, chr5:177,211,777, plus strand): 5'-TGATGTGCATTTCGATAGCAAGGTTAAGCAATCTGATCCTGGTAAAATTTCTGAAAAAGG[ACT>A]CTCTTTTGAAAACGGAAAAGGCCCAGAGCTGGACTCTGTAATGAACAGTGAGAATGATGA-3'

ClinVar aggregate classification (germline): Pathogenic. Review status: criteria provided, multiple submitters, no conflicts (2 of 4 stars). 3 submissions from 3 submitters: Pathogenic (3). Last evaluated 2025-09-05.

Conditions:
Sotos syndrome (SOTOS). Also called: Distinctive facial appearance, overgrowth in childhood, and learning disabilities or delayed development; CEREBRAL GIGANTISM; Sotos' syndrome; CHROMOSOME 5q35 DELETION SYNDROME; SOTOS SYNDROME 1. Identifiers: Orphanet 821, MedGen C0175695, MONDO:0019349, OMIM 117550.

Submissions (3):

Labcorp Genetics (formerly Invitae), Labcorp
Classification: Pathogenic. Last evaluated: 2025-09-05. Review status: criteria provided, single submitter. Criteria: Invitae Variant Classification Sherloc (09022015). Collection method: clinical testing. Allele origin: germline.
Comment: This sequence change creates a premature translational stop signal (p.Ser1128Phefs*2) in the NSD1 gene. It is expected to result in an absent or disrupted protein product. Loss-of-function variants in NSD1 are known to be pathogenic (PMID: 12464997, 14571271, 15942875, 16247291). This variant is not present in population databases (gnomAD no frequency). This premature translational stop signal has been observed in individual(s) with Sotos syndrome (PMID: 19876911, 28475857; Inviate). In at least one individual the variant was observed to be de novo. This variant is also known as 3383delCT. ClinVar contains an entry for this variant (Variation ID: 159307). For these reasons, this variant has been classified as Pathogenic.

Genome-Nilou Lab
Classification: Pathogenic for Sotos syndrome. Last evaluated: 2021-07-15. Review status: criteria provided, single submitter. Criteria: ACMG Guidelines, 2015. Collection method: clinical testing. Allele origin: germline. Affected: no.

Genetic Services Laboratory, University of Chicago
Classification: Pathogenic for Sotos syndrome 1. Last evaluated: 2013-02-08. Review status: criteria provided, single submitter. Criteria: ACMG Guidelines, 2007. Collection method: clinical testing. Allele origin: germline. Inheritance: Autosomal dominant inheritance. Affected: yes.

Literature cited by the submitters: PubMed 12464997 (cited by Labcorp Genetics (formerly Invitae), Labcorp); PubMed 14571271 (cited by Labcorp Genetics (formerly Invitae), Labcorp); PubMed 15942875 (cited by Labcorp Genetics (formerly Invitae), Labcorp); PubMed 16247291 (cited by Labcorp Genetics (formerly Invitae), Labcorp); PubMed 19876911 (cited by Labcorp Genetics (formerly Invitae), Labcorp); PubMed 28475857 (cited by Labcorp Genetics (formerly Invitae), Labcorp).